The following is an entry in ClinVar:

NM_001854.4(COL11A1):c.787C>A (p.Pro263Thr)

Gene: COL11A1 (collagen type XI alpha 1 chain; minus strand). Cytogenetic location: 1p21.1.
Variant type: single nucleotide variant.
Coding change: c.787C>A on transcript NM_001854.4 (MANE Select); coding-DNA position 787, C replaced by A.
Protein change: p.Pro263Thr; replaces proline 263 with threonine.
Molecular consequence: missense variant. On other transcripts: non-coding transcript variant (1), intron variant (2).
Genome position (GRCh38, 1-based): chr1:103,026,326, G>T on the plus strand (C>A on the coding strand, the complement: COL11A1 is on the minus strand). VCF-style: chr1-103026326-G-T. GRCh37 (hg19) VCF-style: chr1-103491882-G-T.
Other names: c.787C>A, p.Pro263Thr (NM_080630.4); c.781-713C>A (NM_001190709.2); c.781-374C>A (NM_080629.3); short protein forms P263T.
Identifiers: ClinVar variation 1301227 (VCV001301227.9), dbSNP rs372319750, ClinGen allele CA975306.

ClinVar aggregate classification (germline): Conflicting classifications of pathogenicity. Review status: criteria provided, conflicting classifications (1 of 4 stars). 2 submissions from 2 submitters: Uncertain significance (1); Likely benign (1). Last evaluated 2025-11-17.

Allele frequency attached by ClinVar (database versions not stated): ESP Exome Variant Server 0.00008.
gnomAD v4.1: 54 of 1,606,642 alleles (0.0034%); highest among the groups gnomAD compares: Admixed American, 0.0017%; no homozygotes.

Submissions (2):

Labcorp Genetics (formerly Invitae), Labcorp
Classification: Likely benign. Last evaluated: 2025-11-17. Review status: criteria provided, single submitter. Criteria: Invitae Variant Classification Sherloc (09022015). Collection method: clinical testing. Allele origin: germline.

GeneDx
Classification: Uncertain significance. Last evaluated: 2021-09-07. Review status: criteria provided, single submitter. Criteria: GeneDx Variant Classification Process June 2021. Collection method: clinical testing. Allele origin: germline. Affected: yes.
Comment: Has not been previously published as pathogenic or benign to our knowledge; In silico analysis supports that this missense variant does not alter protein structure/function